The following is an entry in ClinVar:

NM_015973.5(GAL):c.263G>T (p.Arg88Leu)

Gene: GAL (galanin and GMAP prepropeptide; plus strand). Cytogenetic location: 11q13.2.
Variant type: single nucleotide variant.
Coding change: c.263G>T on transcript NM_015973.5 (MANE Select); coding-DNA position 263, G replaced by T.
Protein change: p.Arg88Leu; replaces arginine 88 with leucine.
Molecular consequence: missense variant.
Genome position (GRCh38, 1-based): chr11:68,688,888, G>T. VCF-style: chr11-68688888-G-T. GRCh37 (hg19) VCF-style: chr11-68456356-G-T.
Other names: short protein forms R88L.
Identifiers: ClinVar variation 1043494 (VCV001043494.7), dbSNP rs778530092, ClinGen allele CA381626964.

ClinVar aggregate classification (germline): Uncertain significance (1 of 4 stars; one submission).

Conditions:
Familial temporal lobe epilepsy 8. Identifiers: Orphanet 101046, MedGen C4225318, MONDO:0014650, OMIM 616461.

Submission:

Labcorp Genetics (formerly Invitae), Labcorp
Classification: Uncertain significance for Familial temporal lobe epilepsy 8. Last evaluated: 2020-02-04. Review status: criteria provided, single submitter. Criteria: Invitae Variant Classification Sherloc (09022015). Collection method: clinical testing. Allele origin: germline.
Comment: This variant is not present in population databases (ExAC no frequency). This sequence change replaces arginine with leucine at codon 88 of the GAL protein (p.Arg88Leu). The arginine residue is highly conserved and there is a moderate physicochemical difference between arginine and leucine. In summary, the available evidence is currently insufficient to determine the role of this variant in disease. Therefore, it has been classified as a Variant of Uncertain Significance. Algorithms developed to predict the effect of missense changes on protein structure and function are either unavailable or do not agree on the potential impact of this missense change (SIFT: "Not Available"; PolyPhen-2: "Possibly Damaging"; Align-GVGD: "Not Available"). This variant has not been reported in the literature in individuals with GAL-related conditions.